The following is an entry in ClinVar:

NM_000722.4(CACNA2D1):c.2264G>C (p.Ser755Thr)

Gene: CACNA2D1 (calcium voltage-gated channel auxiliary subunit alpha2delta 1; minus strand). Cytogenetic location: 7q21.11.
Variant type: single nucleotide variant.
Coding change: c.2264G>C on transcript NM_000722.4 (MANE Select); coding-DNA position 2264, G replaced by C.
Protein change: p.Ser755Thr; replaces serine 755 with threonine.
Molecular consequence: missense variant.
Genome position (GRCh38, 1-based): chr7:81,969,925, C>G on the plus strand (G>C on the coding strand, the complement: CACNA2D1 is on the minus strand). VCF-style: chr7-81969925-C-G. GRCh37 (hg19) VCF-style: chr7-81599241-C-G.
Other names: c.2264G>C (LRG_437t1); c.2300G>C, p.Ser767Thr (NM_001366867.1); short protein forms S755T, S767T.
Identifiers: ClinVar variation 180288 (VCV000180288.33), dbSNP rs151327713, ClinGen allele CA346232.

ClinVar aggregate classification (germline): Benign/Likely benign. Review status: criteria provided, multiple submitters, no conflicts (2 of 4 stars). 5 submissions from 5 submitters: Benign (3); Likely benign (2). Last evaluated 2026-01-28.

Conditions:
Cardiovascular phenotype. Identifiers: MedGen CN230736.
Brugada syndrome. Also called: Sudden unexplained nocturnal death syndrome; Sudden Unexplained Death Syndrome; Sudden Unexplained Nocturnal Death Syndrome (SUNDS); Sudden unexpected nocturnal death syndrome. Identifiers: Orphanet 130, MedGen C1142166, MONDO:0015263.

Allele frequency attached by ClinVar (database versions not stated): gnomAD exomes 0.00062 and 0.00092; gnomAD 0.00067; ESP Exome Variant Server 0.00069; TOPMed 0.00071; ExAC 0.00077.
gnomAD v4.1: 1,021 of 1,608,622 alleles (0.063%); highest among the groups gnomAD compares: Admixed American, 0.07%; 3 homozygotes.

Submissions (5):

Labcorp Genetics (formerly Invitae), Labcorp
Classification: Benign for Brugada syndrome. Last evaluated: 2026-01-28. Review status: criteria provided, single submitter. Criteria: Invitae Variant Classification Sherloc (09022015). Collection method: clinical testing. Allele origin: germline.

Blueprint Genetics
Classification: Likely benign. Last evaluated: 2024-11-08. Review status: criteria provided, single submitter. Criteria: ACMG Guidelines, 2015. Collection method: clinical testing. Allele origin: germline.

CeGaT Center for Human Genetics Tuebingen
Classification: Likely benign. Last evaluated: 2024-11-01. Review status: criteria provided, single submitter. Criteria: CeGaT Center For Human Genetics Tuebingen Variant Classification Criteria Version 2. Collection method: clinical testing. Allele origin: germline. Affected: yes. Observed: 1 variant allele.
Comment: CACNA2D1: BS2

GeneDx
Classification: Benign. Last evaluated: 2019-04-15. Review status: criteria provided, single submitter. Criteria: GeneDx Variant Classification Process June 2021. Collection method: clinical testing. Allele origin: germline. Affected: yes.
Comment: This variant is associated with the following publications: (PMID: 25527503, 21383000, 22840528, 29016797, 30847666)

Ambry Genetics
Classification: Benign for Cardiovascular phenotype. Last evaluated: 2017-10-10. Review status: criteria provided, single submitter. Criteria: Ambry Variant Classification Scheme 2023. Collection method: clinical testing. Allele origin: germline.

Literature cited by the submitters: PubMed 21383000 (cited by Ambry Genetics); PubMed 22840528 (cited by Ambry Genetics); PubMed 25527503 (cited by Ambry Genetics).